The following is an entry in ClinVar:

NM_182961.4(SYNE1):c.1730-219G>T

Gene: SYNE1 (spectrin repeat containing nuclear envelope protein 1; minus strand). Cytogenetic location: 6q25.2.
Variant type: single nucleotide variant.
Coding change: c.1730-219G>T on transcript NM_182961.4 (MANE Select); 219 bases into the intron before coding-DNA position 1730, G replaced by T.
Molecular consequence: intron variant.
Genome position (GRCh38, 1-based): chr6:152,465,679, C>A on the plus strand (G>T on the coding strand, the complement: SYNE1 is on the minus strand). VCF-style: chr6-152465679-C-A. GRCh37 (hg19) VCF-style: chr6-152786814-C-A.
Other names: c.1751-219G>T (NM_033071.5).
Identifiers: ClinVar variation 670602 (VCV000670602.1), dbSNP rs7763343, ClinGen allele CA12338515.
Genomic context (GRCh38, chr6:152,465,679, plus strand): 5'-AATGTATTTTACAAATTGTGTCTTTACACTAATTAATTTCTCATTTACTTGATTGGTAAT[C>A]CTTAACGTATTCTATGCTTTTGCCTTTAATCCTTAGATGCAATTTAGAAAATGAATGCTT-3'

ClinVar aggregate classification (germline): Benign (1 of 4 stars; one submission).

Allele frequency attached by ClinVar (database versions not stated): gnomAD 0.51901 and 0.52119; TOPMed 0.53127; 1000 Genomes Project 0.60284; 1000 Genomes Project 30x 0.60306.
gnomAD v4.1: 78,771 of 151,546 alleles (52%); highest among the groups gnomAD compares: East Asian, 76%; 22,220 homozygotes.

Submission:

GeneDx
Classification: Benign. Last evaluated: 2018-06-14. Review status: criteria provided, single submitter. Criteria: GeneDx Variant Classification (06012015). Collection method: clinical testing. Allele origin: germline. Affected: yes.
Comment: This variant is considered likely benign or benign based on one or more of the following criteria: it is a conservative change, it occurs at a poorly conserved position in the protein, it is predicted to be benign by multiple in silico algorithms, and/or has population frequency not consistent with disease.